The following is an entry in ClinVar:

NM_000070.3(CAPN3):c.1465C>T (p.Arg489Trp)

Gene: CAPN3 (calpain 3; plus strand). Cytogenetic location: 15q15.1.
Variant type: single nucleotide variant.
Coding change: c.1465C>T on transcript NM_000070.3 (MANE Select); coding-DNA position 1465, C replaced by T.
Protein change: p.Arg489Trp; replaces arginine 489 with tryptophan.
Molecular consequence: missense variant.
Genome position (GRCh38, 1-based): chr15:42,401,751, C>T. VCF-style: chr15-42401751-C-T. GRCh37 (hg19) VCF-style: chr15-42693949-C-T.
Other names: NM_000070.3(CAPN3):c.1465C>T; c.1465C>T, p.Arg489Trp (NM_024344.2); c.1321C>T, p.Arg441Trp (NM_173087.2); short protein forms R489W, R441W.
Identifiers: ClinVar variation 217150 (VCV000217150.27), dbSNP rs863224957, ClinGen allele CA347587.
Genomic context (GRCh38, chr15:42,401,751, plus strand): 5'-GATGACCCTGATGACTCGGAGGTGATTTGCAGCTTCCTGGTGGCCCTGATGCAGAAGAAC[C>T]GGCGGAAGGACCGGAAGCTAGGGGCCAGTCTCTTCACCATTGGCTTCGCCATCTACGAGG-3'
Protein context (NP_000061.1, residues 479-499): SFLVALMQKN[Arg489Trp]RKDRKLGASL

ClinVar aggregate classification (germline): Pathogenic. Review status: reviewed by expert panel (3 of 4 stars). 14 submissions from 14 submitters: Pathogenic (1). 13 of the submissions do not count toward it. Last evaluated 2026-04-29.

Conditions:
Muscular dystrophy, limb-girdle, autosomal dominant 4. Also called: MUSCULAR DYSTROPHY, LIMB-GIRDLE, TYPE 1I; Calpain-3-related limb-girdle muscular dystrophy D4. Identifiers: Orphanet 565909, MedGen C4748295, MONDO:0029133, OMIM 618129.
Autosomal recessive limb-girdle muscular dystrophy type 2A (LGMDR1). Also called: Calpainopathy; Muscular dystrophy, limb-girdle, type 2A, Amish; LEYDEN-MOEBIUS MUSCULAR DYSTROPHY; MUSCULAR DYSTROPHY, PELVOFEMORAL; Limb-girdle muscular dystrophy, type 2A. Identifiers: Orphanet 267, MedGen C1869123, MONDO:0009675, OMIM 253600. Disease mechanism: loss of function.
CAPN3-related disorder. Also called: CAPN3-related condition; CAPN3-related disorders. Identifiers: MedGen CN239245.
Autosomal recessive limb-girdle muscular dystrophy. Identifiers: Orphanet 102015, MedGen C2931907, MONDO:0015152.

Allele frequency attached by ClinVar (database versions not stated): gnomAD exomes 0.00002 and 0.00004; gnomAD 0.00001; TOPMed 0.00001.
gnomAD v4.1: 58 of 1,613,928 alleles (0.0036%); highest among the groups gnomAD compares: East Asian, 0.0045%; no homozygotes.

Submissions (14):

ClinGen Limb Girdle Muscular Dystrophy Variant Curation Expert Panel, ClinGen
Classification: Pathogenic for Autosomal recessive limb-girdle muscular dystrophy. Last evaluated: 2026-04-29. Review status: reviewed by expert panel. Criteria: ClinGen LGMD VCEP ACMG Specifications CAPN3 V2.0.0. Collection method: curation. Allele origin: germline. Inheritance: Autosomal recessive inheritance.
Comment: The NM_000070.3: c.1465C>T variant in CAPN3 is a missense variant expected to cause the substitution of arginine at amino acid position 489 with tryptophan, p.(Arg489Trp). Across a selection of the available literature, this variant has been identified in at least nine unrelated individuals with features of LGMD (PMID: 18055493, 27066573, 27708273, 37526466, 15689361; LOVD CAPN3_000038). In one patient, it was confirmed in trans with a pathogenic variant (c.1715G>A p.(Arg572Gln), 1.0 pt, PMID: 27708273), and in six patients, it was reported in unconfirmed phase with a pathogenic variant (c.550del p.(Thr184ArgfsTer36), 0.5 pts x4, PMID: 18055493, 37526466, 15689361; c.2362_2363delinsTCATCT p.(Arg788SerfsTer14), 0.5 pts x2, PMID: 15689361) (PM3_Very Strong). At least one of these patients displayed progressive limb girdle muscle weakness (PP4). This variant has also been reported to segregate with autosomal recessive LGMD in one affected family member (PMID: 27708273; PP1). The upper bound of the 95% confidence interval of the Grpmax variant allele frequency in gnomAD v4.1.1 is 0.000054578 (51/1179994 European (non-Finnish) alleles), which is lower than the LGMD VCEP threshold of 0.0001, meeting the criteria for PM2_Supporting. The computational predictor REVEL also gives a score of 0.752, which is above the threshold of 0.7, evidence that correlates with impact to CAPN3 function (PP3). In summary, this variant meets the criteria to be classified as Pathogenic for autosomal recessive limb girdle muscular dystrophy based on the ACMG/AMP criteria applied, as specified by the ClinGen LGMD VCEP (LGMD VCEP specifications version 2.0.0; 04/29/2026): PM3_Very Strong, PP4, PP1, PM2_Supporting, PP3.

PreventionGenetics, part of Exact Sciences
Classification: Pathogenic for CAPN3-related condition. Last evaluated: 2026-04-30. Review status: criteria provided, single submitter. Criteria: ACMG Guidelines, 2015. Collection method: clinical testing. Allele origin: germline. Not counted in ClinVar's aggregate classification.
Comment: The CAPN3 c.1465C>T variant is predicted to result in the amino acid substitution p.Arg489Trp. This variant was reported in the compound heterozygous state in multiple individuals with autosomal recessive limb-girdle muscular dystrophy, limb-girdle (Reddy et al. 2016. PubMed ID: 27708273; Stehlíková et al. 2014. PubMed ID: 25135358; Todorova et al. 2005. PubMed ID: 15733273; Groen et al. 2007. PubMed ID: 18055493). This variant is reported in 0.0062% of alleles in individuals of African descent in gnomAD. This variant is interpreted as pathogenic.

Institute of Human Genetics, Heidelberg University
Classification: Likely pathogenic for Autosomal recessive limb-girdle muscular dystrophy type 2A. Last evaluated: 2025-08-22. Review status: criteria provided, single submitter. Criteria: ACMG Guidelines, 2015. Collection method: clinical testing. Allele origin: paternal. Affected: yes. Observed: 2 variant alleles. Not counted in ClinVar's aggregate classification.
Comment: PM2_supp; PM3_strong; PM5_mod; PP3_supp

Labcorp Genetics (formerly Invitae), Labcorp
Classification: Pathogenic for Autosomal recessive limb-girdle muscular dystrophy type 2A. Last evaluated: 2025-03-10. Review status: criteria provided, single submitter. Criteria: Invitae Variant Classification Sherloc (09022015). Collection method: clinical testing. Allele origin: germline. Not counted in ClinVar's aggregate classification.
Comment: This sequence change replaces arginine, which is basic and polar, with tryptophan, which is neutral and slightly polar, at codon 489 of the CAPN3 protein (p.Arg489Trp). This variant is present in population databases (no rsID available, gnomAD 0.003%). This missense change has been observed in individual(s) with autosomal recessive limb-girdle muscular dystrophy (PMID: 9762961, 16141003, 18055493, 25135358, 27708273; internal data). In at least one individual the data is consistent with being in trans (on the opposite chromosome) from a pathogenic variant. It has also been observed to segregate with disease in related individuals. ClinVar contains an entry for this variant (Variation ID: 217150). Invitae Evidence Modeling of protein sequence and biophysical properties (such as structural, functional, and spatial information, amino acid conservation, physicochemical variation, residue mobility, and thermodynamic stability) indicates that this missense variant is not expected to disrupt CAPN3 protein function with a negative predictive value of 80%. For these reasons, this variant has been classified as Pathogenic.

Natera, Inc.
Classification: Pathogenic for Limb-girdle muscular dystrophy type 2A. Last evaluated: 2025-02-20. Review status: criteria provided, single submitter. Criteria: Natera Variant Classification Schema (03/2026). Collection method: clinical testing. Allele origin: germline. Not counted in ClinVar's aggregate classification.
Comment: The c.1465C>T variant in CAPN3 is a missense variant predicted to cause substitution of arginine to tryptophan at amino acid 489. This variant is rare in the general population with a frequency below the threshold expected for the associated phenotype(s). This variant has been observed in one or more individuals affected with the associated recessive disease, as either homozygous or compound heterozygous with a second variant (PMID: 27708273, 27447704, 25079074, 15733273). Additionally, this variant has been observed to segregate in affected family members (PMID: 27708273). A different variant at the same position has been determined to be Pathogenic or Likely Pathogenic. Computational prediction algorithms indicate this variant is likely to affect gene or protein function. Given the available evidence, this variant is classified as Pathogenic.

Revvity Omics, Revvity
Classification: Pathogenic. Last evaluated: 2024-10-29. Review status: criteria provided, single submitter. Criteria: ACMG Guidelines, 2015. Collection method: clinical testing. Allele origin: germline. Not counted in ClinVar's aggregate classification.

Blueprint Genetics
Classification: Pathogenic for CAPN3-related disorders. Last evaluated: 2024-08-09. Review status: criteria provided, single submitter. Criteria: ACMG Guidelines, 2015. Collection method: clinical testing. Allele origin: germline. Affected: yes. Observed: 2 variant alleles. Not counted in ClinVar's aggregate classification.

GeneDx
Classification: Pathogenic. Last evaluated: 2024-03-26. Review status: criteria provided, single submitter. Criteria: GeneDx Variant Classification Process June 2021. Collection method: clinical testing. Allele origin: germline. Affected: yes. Not counted in ClinVar's aggregate classification.
Comment: Published functional studies demonstrate that this variant leads to absent calpain3 expression (PMID: 15733273); In silico analysis supports that this missense variant has a deleterious effect on protein structure/function; This variant is associated with the following publications: (PMID: 24803842, 18055493, 27055500, 25079074, 9762961, 27066573, 25135358, 22505582, 16141003, 10330340, 19556129, 17236769, 15757244, 15221789, 18563459, 27708273, 31589614, 15733273, 37526466)

Baylor Genetics
Classification: Pathogenic for Muscular dystrophy, limb-girdle, autosomal dominant 4. Last evaluated: 2024-03-12. Review status: criteria provided, single submitter. Criteria: ACMG Guidelines, 2015. Collection method: clinical testing. Allele origin: unknown. Not counted in ClinVar's aggregate classification.

Intergen Genetics and Rare Diseases Diagnosis Center
Classification: Pathogenic for Autosomal recessive limb-girdle muscular dystrophy type 2A. Last evaluated: 2023-08-31. Review status: criteria provided, single submitter. Criteria: ACMG Guidelines, 2015. Collection method: clinical testing. Allele origin: biparental. Inheritance: Autosomal recessive inheritance. Affected: yes. Observed: 1 homozygote. Not counted in ClinVar's aggregate classification.

Fulgent Genetics
Classification: Pathogenic for Autosomal recessive limb-girdle muscular dystrophy type 2A; Muscular dystrophy, limb-girdle, autosomal dominant 4. Last evaluated: 2021-11-19. Review status: criteria provided, single submitter. Criteria: ACMG Guidelines, 2015. Collection method: clinical testing. Allele origin: unknown. Not counted in ClinVar's aggregate classification.

Eurofins Ntd Llc (ga)
Classification: Pathogenic. Last evaluated: 2016-11-23. Review status: criteria provided, single submitter. Criteria: EGL Classification Definitions 2015. Collection method: clinical testing. Allele origin: germline. Observed: 4 variant alleles, 4 heterozygotes. Not counted in ClinVar's aggregate classification.

Athena Diagnostics
Classification: Pathogenic. Last evaluated: 2016-09-19. Review status: criteria provided, single submitter. Criteria: Athena Diagnostics Criteria. Collection method: clinical testing. Allele origin: germline. Not counted in ClinVar's aggregate classification.

Counsyl
Classification: Pathogenic for Autosomal recessive limb-girdle muscular dystrophy type 2A. Last evaluated: 2017-02-09. Review status: no assertion criteria provided. Collection method: clinical testing. Allele origin: unknown. Not counted in ClinVar's aggregate classification.

Literature cited by the submitters: PubMed 9762961 (cited by Labcorp Genetics (formerly Invitae), Labcorp and Athena Diagnostics); PubMed 16141003 (cited by 3 submitters); PubMed 18055493 (cited by 3 submitters); PubMed 25135358 (cited by Labcorp Genetics (formerly Invitae), Labcorp and Counsyl); PubMed 27708273 (cited by 3 submitters); PubMed 27447704 (cited by Natera, Inc.); PubMed 25079074 (cited by Natera, Inc. and Counsyl); PubMed 15733273 (cited by 3 submitters); PubMed 22505582 (cited by Athena Diagnostics); PubMed 24803842 (cited by Counsyl); PubMed 27066573 (cited by Counsyl); PubMed 10330340 (cited by Counsyl).